The following is an entry in ClinVar:

ClinVar aggregate classification (germline): Pathogenic/Likely pathogenic. Review status: criteria provided, multiple submitters, no conflicts (2 of 4 stars). 2 submissions from 2 submitters: Pathogenic (1); Likely pathogenic (1). Last evaluated 2025-10-13.

Conditions:
Roberts-SC phocomelia syndrome (RBS). Also called: ESCO2 Spectrum Disorder; LONG BONE DEFICIENCIES ASSOCIATED WITH CLEFT LIP-PALATE; Hypomelia hypotrichosis facial hemangioma syndrome; Pseudothalidomide syndrome; Appelt-Gerken-Lenz syndrome. Identifiers: Orphanet 3103, MedGen C0392475, MONDO:0100253, OMIM 268300.

Submissions (2):

Natera, Inc.
Classification: Likely pathogenic for Roberts syndrome. Last evaluated: 2025-10-13. Review status: criteria provided, single submitter. Criteria: Natera Variant Classification Schema (03/2026). Collection method: clinical testing. Allele origin: germline.
Comment: The c.648dupA variant in ESCO2 is a frameshift variant predicted to shift the reading frame beginning at codon 217 and leads to a stop codon 4 codons downstream. This variant is expected to result in nonsense mediated decay, truncation, or a dysfunctional protein product. This variant is rare in the general population with a frequency below the threshold expected for the associated phenotype(s). Given the available evidence, this variant is classified as Likely Pathogenic.

Labcorp Genetics (formerly Invitae), Labcorp
Classification: Pathogenic. Last evaluated: 2023-12-22. Review status: criteria provided, single submitter. Criteria: Invitae Variant Classification Sherloc (09022015). Collection method: clinical testing. Allele origin: germline.
Comment: This sequence change creates a premature translational stop signal (p.Ser217Ilefs*4) in the ESCO2 gene. It is expected to result in an absent or disrupted protein product. Loss-of-function variants in ESCO2 are known to be pathogenic (PMID: 15821733, 16380922). This variant is not present in population databases (gnomAD no frequency). This variant has not been reported in the literature in individuals affected with ESCO2-related conditions. For these reasons, this variant has been classified as Pathogenic.

Literature cited by the submitters: PubMed 15821733 (cited by Labcorp Genetics (formerly Invitae), Labcorp); PubMed 16380922 (cited by Labcorp Genetics (formerly Invitae), Labcorp).

NM_001017420.3(ESCO2):c.648dup (p.Ser217fs)

Gene: ESCO2 (establishment of sister chromatid cohesion N-acetyltransferase 2; plus strand). Cytogenetic location: 8p21.1.
Variant type: Duplication.
Coding change: c.648dup on transcript NM_001017420.3 (MANE Select); coding-DNA position 648, one base duplicated (A; older notation c.648dupA).
Protein change: p.Ser217fs; shifts the reading frame from serine 217.
Molecular consequence: frameshift variant.
Genome position (GRCh38, 1-based): chr8:27,776,956, A duplicated; the last of 7 consecutive A bases (chr8:27,776,950-27,776,956); duplicating any one gives the same sequence. VCF-style (leftmost placement, unchanged base first): chr8-27776949-G-GA. GRCh37 (hg19) VCF-style: chr8-27634466-G-GA.
Other names: c.648dupA (NM_001017420.2); short protein forms S217fs.
Identifiers: ClinVar variation 2801640 (VCV002801640.4), dbSNP rs1804806714, ClinGen allele CA645550055.